The following is an entry in ClinVar:

ClinVar aggregate classification (germline): Conflicting classifications of pathogenicity. Review status: criteria provided, conflicting classifications (1 of 4 stars). 4 submissions from 4 submitters: Uncertain significance (2); Likely benign (1). 1 of the submissions does not count toward it. Last evaluated 2024-12-01.

Conditions:
Inborn genetic diseases. Identifiers: MedGen C0950123, MeSH D030342.
SPTB-related disorder. Also called: SPTB-Related Disorders; SPTB-related condition.

Allele frequency attached by ClinVar (database versions not stated): TOPMed 0.00008; ESP Exome Variant Server 0.00015; gnomAD 0.00018; gnomAD exomes 0.00025; ExAC 0.00051; 1000 Genomes Project 30x 0.00094; 1000 Genomes Project 0.00100.
gnomAD v4.1: 389 of 1,614,132 alleles (0.024%); highest among the groups gnomAD compares: South Asian, 0.29%; 1 homozygote.

Submissions (4):

CeGaT Center for Human Genetics Tuebingen
Classification: Likely benign. Last evaluated: 2024-12-01. Review status: criteria provided, single submitter. Criteria: CeGaT Center For Human Genetics Tuebingen Variant Classification Criteria Version 2. Collection method: clinical testing. Allele origin: germline. Affected: yes. Observed: 2 variant alleles.
Comment: SPTB: BP4

Blueprint Genetics
Classification: Uncertain significance. Last evaluated: 2024-11-26. Review status: criteria provided, single submitter. Criteria: ACMG Guidelines, 2015. Collection method: clinical testing. Allele origin: germline.

Ambry Genetics
Classification: Uncertain significance for Inborn genetic diseases. Last evaluated: 2023-08-14. Review status: criteria provided, single submitter. Criteria: Ambry Variant Classification Scheme 2023. Collection method: clinical testing. Allele origin: germline.

PreventionGenetics, part of Exact Sciences
Classification: Likely benign for SPTB-related condition. Last evaluated: 2022-12-22. Review status: no assertion criteria provided. Collection method: clinical testing. Allele origin: germline. Not counted in ClinVar's aggregate classification.
Comment: This variant is classified as likely benign based on ACMG/AMP sequence variant interpretation guidelines (Richards et al. 2015 PMID: 25741868, with internal and published modifications).

NM_001355436.2(SPTB):c.3233C>T (p.Ser1078Phe)

Gene: SPTB (spectrin beta, erythrocytic; minus strand). Cytogenetic location: 14q23.3.
Variant type: single nucleotide variant.
Coding change: c.3233C>T on transcript NM_001355436.2 (MANE Select); coding-DNA position 3233, C replaced by T.
Protein change: p.Ser1078Phe; replaces serine 1078 with phenylalanine.
Molecular consequence: missense variant.
Genome position (GRCh38, 1-based): chr14:64,786,732, G>A on the plus strand (C>T on the coding strand, the complement: SPTB is on the minus strand). VCF-style: chr14-64786732-G-A. GRCh37 (hg19) VCF-style: chr14-65253450-G-A.
Other names: NM_000347.5:c.3233C>T; c.3233C>T (NM_001024858.2); c.3233C>T, p.Ser1078Phe (NM_001024858.4, NM_001355437.2); short protein forms S1078F.
Identifiers: ClinVar variation 2591791 (VCV002591791.18), dbSNP rs200926839, ClinGen allele CA7230669.
Genomic context (GRCh38, chr14:64,786,732, plus strand): 5'-TGCTCAGCCTCTGGGAGGGATTCGGGCATGTCCTCAGAGGCCACAGCCTTCTGGGTGATG[G>A]AGAGCCAGGCCTGGAAGTCATCCAGATCCTGCAGGAAGGCCTGCAGCTGGCTGACTTCCC-3'
Protein context (NP_001342365.1, residues 1068-1088): QDLDDFQAWL[Ser1078Phe]ITQKAVASED